The following is an entry in ClinVar:

ClinVar aggregate classification (germline): Pathogenic (1 of 4 stars; one submission).

Conditions:
Developmental and epileptic encephalopathy, 39 (DEE39). Also called: DEVELOPMENTAL AND EPILEPTIC ENCEPHALOPATHY 39 WITH LEUKODYSTROPHY. Identifiers: Orphanet 353217, MedGen C2751855, MONDO:0013056, OMIM 612949.

Submission:

Women's Health and Genetics/Laboratory Corporation of America, LabCorp
Classification: Pathogenic for Developmental and epileptic encephalopathy, 39. Last evaluated: 2024-07-10. Review status: criteria provided, single submitter. Criteria: LabCorp Variant Classification Summary - May 2015. Collection method: clinical testing. Allele origin: germline.
Comment: Variant summary: SLC25A12 c.693delT (p.Val232PhefsX8) results in a premature termination codon, predicted to cause a truncation of the encoded protein or absence of the protein due to nonsense mediated decay, which are commonly known mechanisms for disease. The variant was absent in 251138 control chromosomes. To our knowledge, no occurrence of c.693delT in individuals affected with Developmental And Epileptic Encephalopathy, 39 and no experimental evidence demonstrating its impact on protein function have been reported. No submitters have cited clinical-significance assessments for this variant to ClinVar. Based on the evidence outlined above, the variant was classified as pathogenic.

NM_003705.5(SLC25A12):c.693del (p.Val232fs)

Gene: SLC25A12 (solute carrier family 25 member 12; minus strand). Cytogenetic location: 2q31.1.
Variant type: Deletion.
Coding change: c.693del on transcript NM_003705.5 (MANE Select); coding-DNA position 693, one base deleted (T; older notation c.693delT).
Protein change: p.Val232fs; shifts the reading frame from valine 232.
Molecular consequence: frameshift variant. On other transcripts: non-coding transcript variant (1).
Genome position (GRCh38, 1-based): chr2:171,834,785, A deleted on the plus strand (T on the coding strand, the reverse complement: SLC25A12 is on the minus strand); the first of 2 consecutive A bases (chr2:171,834,785-171,834,786); deleting either gives the same sequence. VCF-style (leftmost placement, unchanged base first): chr2-171834784-CA-C. GRCh37 (hg19) VCF-style: chr2-172691294-CA-C.
Other names: c.693delT (NM_003705.5); short protein forms V232fs.
Identifiers: ClinVar variation 3338991 (VCV003338991.1).